The following is an entry in ClinVar:

NM_001042492.3(NF1):c.3981_3984del (p.Glu1327fs)

Gene: NF1 (neurofibromin 1; plus strand). Cytogenetic location: 17q11.2.
Variant type: Deletion.
Coding change: c.3981_3984del on transcript NM_001042492.3 (MANE Select); coding-DNA positions 3981 to 3984, 4 bases deleted (ACCA; older notation c.3981_3984delACCA).
Protein change: p.Glu1327fs; shifts the reading frame from glutamic acid 1327.
Molecular consequence: frameshift variant.
Genome position (GRCh38, 1-based): chr17:31,248,990-31,248,993, ACCA deleted; deleting any 4 consecutive bases within chr17:31,248,989-31,248,993 gives the same sequence; the c. name uses the placement nearest the transcript's 3' end. VCF-style (leftmost placement, unchanged base first): chr17-31248988-GAACC-G. GRCh37 (hg19) VCF-style: chr17-29576006-GAACC-G.
Other names: c.3981_3984del, p.Glu1327fs (NM_000267.4); short protein forms E1327fs.
Identifiers: ClinVar variation 4726699 (VCV004726699.1).

ClinVar aggregate classification (germline): Pathogenic (1 of 4 stars; one submission).

Conditions:
Neurofibromatosis, type 1 (NF1). Also called: NEUROFIBROMATOSIS, TYPE I, SOMATIC; VON RECKLINGHAUSEN DISEASE; Peripheral type neurofibromatosis; Neurofibromatosis, type I. Identifiers: Orphanet 636, MedGen C0027831, MONDO:0018975, OMIM 162200. Disease mechanism: loss of function.

Submission:

Labcorp Genetics (formerly Invitae), Labcorp
Classification: Pathogenic for Neurofibromatosis, type 1. Last evaluated: 2025-09-05. Review status: criteria provided, single submitter. Criteria: Invitae Variant Classification Sherloc (09022015). Collection method: clinical testing. Allele origin: germline.
Comment: This sequence change creates a premature translational stop signal (p.Glu1327Aspfs*15) in the NF1 gene. It is expected to result in an absent or disrupted protein product. Loss-of-function variants in NF1 are known to be pathogenic (PMID: 10712197, 23913538). This variant is not present in population databases (gnomAD no frequency). This variant has not been reported in the literature in individuals affected with NF1-related conditions. For these reasons, this variant has been classified as Pathogenic.

Literature cited by the submitters: PubMed 10712197; PubMed 23913538.